The following is an entry in ClinVar:

NM_000182.5(HADHA):c.573+6T>C

Gene: HADHA (hydroxyacyl-CoA dehydrogenase trifunctional multienzyme complex subunit alpha; minus strand). Cytogenetic location: 2p23.3.
Variant type: single nucleotide variant.
Coding change: c.573+6T>C on transcript NM_000182.5 (MANE Select); 6 bases into the intron after coding-DNA position 573, T replaced by C.
Molecular consequence: intron variant.
Genome position (GRCh38, 1-based): chr2:26,232,154, A>G on the plus strand (T>C on the coding strand, the complement: HADHA is on the minus strand). VCF-style: chr2-26232154-A-G. GRCh37 (hg19) VCF-style: chr2-26455022-A-G.
Identifiers: ClinVar variation 4788249 (VCV004788249.1).

ClinVar aggregate classification (germline): Uncertain significance (1 of 4 stars; one submission).

Conditions:
Long chain 3-hydroxyacyl-CoA dehydrogenase deficiency. Also called: LCHAD Deficiency; Deficiency of long-chain 3-hydroxyacyl-coenzyme A dehydrogenase. Identifiers: Orphanet 5, MedGen C3711645, MONDO:0012173, OMIM 609016.
Mitochondrial trifunctional protein deficiency. Identifiers: Orphanet 746, MedGen C1969443, MONDO:0012172.

gnomAD v4.1: 1 of 1,607,798 alleles (0.000062%); highest among the groups gnomAD compares: Non-Finnish European, 0.000085%; no homozygotes.

Submission:

Labcorp Genetics (formerly Invitae), Labcorp
Classification: Uncertain significance for Mitochondrial trifunctional protein deficiency; Long chain 3-hydroxyacyl-CoA dehydrogenase deficiency. Last evaluated: 2025-11-13. Review status: criteria provided, single submitter. Criteria: Invitae Variant Classification Sherloc (09022015). Collection method: clinical testing. Allele origin: germline.
Comment: This sequence change falls in intron 6 of the HADHA gene. It does not directly change the encoded amino acid sequence of the HADHA protein. It affects a nucleotide within the consensus splice site. This variant is not present in population databases (gnomAD no frequency). This variant has not been reported in the literature in individuals affected with HADHA-related conditions. Variants that disrupt the consensus splice site are a relatively common cause of aberrant splicing (PMID: 17576681, 9536098). Algorithms developed to predict the effect of sequence changes on RNA splicing suggest that this variant is not likely to affect RNA splicing. In summary, the available evidence is currently insufficient to determine the role of this variant in disease. Therefore, it has been classified as a Variant of Uncertain Significance.

Literature cited by the submitters: PubMed 17576681; PubMed 9536098.